The following is an entry in ClinVar:

ClinVar aggregate classification (germline): Likely pathogenic (1 of 4 stars; one submission).

Submission:

GeneDx
Classification: Likely pathogenic. Last evaluated: 2019-06-12. Review status: criteria provided, single submitter. Criteria: GeneDx Variant Classification Process June 2021. Collection method: clinical testing. Allele origin: germline. Affected: yes.
Comment: Frameshift variant predicted to result in protein truncation or nonsense mediated decay in a gene for which loss-of-function is a known mechanism of disease; Not observed in large population cohorts (Lek et al., 2016); Has not been previously published as pathogenic or benign to our knowledge

NM_001323289.2(CDKL5):c.125_129delinsC (p.Lys42fs)

Gene: CDKL5 (cyclin dependent kinase like 5; plus strand). Cytogenetic location: Xp22.13.
Variant type: Indel.
Coding change: c.125_129delinsC on transcript NM_001323289.2 (MANE Select); coding-DNA positions 125 to 129, AGAAA replaced by C.
Protein change: p.Lys42fs; shifts the reading frame from lysine 42.
Molecular consequence: frameshift variant.
Genome position (GRCh38, 1-based): chrX:18,564,502-18,564,506, AGAAA replaced by C. VCF-style: chrX-18564502-AGAAA-C. GRCh37 (hg19) VCF-style: chrX-18582622-AGAAA-C.
Other names: c.125_129delinsC, p.Lys42fs (NM_001037343.2, NM_003159.3); short protein forms K42fs.
Identifiers: ClinVar variation 1223616 (VCV001223616.3), dbSNP rs2147132253, ClinGen allele CA2499226530.